The following is an entry in ClinVar:

NM_005428.4(VAV1):c.1282G>T (p.Asp428Tyr)

Gene: VAV1 (vav guanine nucleotide exchange factor 1; plus strand). Cytogenetic location: 19p13.3.
Variant type: single nucleotide variant.
Coding change: c.1282G>T on transcript NM_005428.4 (MANE Select); coding-DNA position 1282, G replaced by T.
Protein change: p.Asp428Tyr; replaces aspartic acid 428 with tyrosine.
Molecular consequence: missense variant.
Genome position (GRCh38, 1-based): chr19:6,829,802, G>T. VCF-style: chr19-6829802-G-T. GRCh37 (hg19) VCF-style: chr19-6829813-G-T.
Other names: c.1282G>T, p.Asp428Tyr (NM_001258206.2); c.1186G>T, p.Asp396Tyr (NM_001258207.2); short protein forms D396Y, D428Y.
Identifiers: ClinVar variation 2095218 (VCV002095218.4), dbSNP rs2512372678, ClinGen allele CA403624106.

ClinVar aggregate classification (germline): Uncertain significance (1 of 4 stars; one submission).

Submission:

Labcorp Genetics (formerly Invitae), Labcorp
Classification: Uncertain significance. Last evaluated: 2022-03-14. Review status: criteria provided, single submitter. Criteria: Invitae Variant Classification Sherloc (09022015). Collection method: clinical testing. Allele origin: germline.
Comment: In summary, the available evidence is currently insufficient to determine the role of this variant in disease. Therefore, it has been classified as a Variant of Uncertain Significance. Algorithms developed to predict the effect of missense changes on protein structure and function are either unavailable or do not agree on the potential impact of this missense change (SIFT: "Deleterious"; PolyPhen-2: "Probably Damaging"; Align-GVGD: "Class C15"). This variant has not been reported in the literature in individuals affected with VAV1-related conditions. This variant is not present in population databases (gnomAD no frequency). This sequence change replaces aspartic acid, which is acidic and polar, with tyrosine, which is neutral and polar, at codon 428 of the VAV1 protein (p.Asp428Tyr).